The following is an entry in ClinVar:

ClinVar aggregate classification (germline): Uncertain significance (1 of 4 stars; one submission).

Submission:

Ambry Genetics
Classification: Uncertain significance. Last evaluated: 2021-12-06. Review status: criteria provided, single submitter. Criteria: Ambry Variant Classification Scheme 2023. Collection method: clinical testing. Allele origin: germline.
Comment: The p.H1032Y variant (also known as c.3094C>T), located in coding exon 4 of the ALPK2 gene, results from a C to T substitution at nucleotide position 3094. The histidine at codon 1032 is replaced by tyrosine, an amino acid with similar properties. This amino acid position is conserved. In addition, this alteration is predicted to be tolerated by in silico analysis. Since supporting evidence is limited at this time, the clinical significance of this alteration remains unclear.

NM_052947.4(ALPK2):c.3094C>T (p.His1032Tyr)

Gene: ALPK2 (alpha kinase 2; minus strand). Cytogenetic location: 18q21.31.
Variant type: single nucleotide variant.
Coding change: c.3094C>T on transcript NM_052947.4 (MANE Select); coding-DNA position 3094, C replaced by T.
Protein change: p.His1032Tyr; replaces histidine 1032 with tyrosine.
Molecular consequence: missense variant.
Genome position (GRCh38, 1-based): chr18:58,537,093, G>A on the plus strand (C>T on the coding strand, the complement: ALPK2 is on the minus strand). VCF-style: chr18-58537093-G-A. GRCh37 (hg19) VCF-style: chr18-56204325-G-A.
Other names: short protein forms H1032Y.
Identifiers: ClinVar variation 1727493 (VCV001727493.2), dbSNP rs2518876907, ClinGen allele CA402569116.